The following is an entry in ClinVar:

ClinVar aggregate classification (germline): Conflicting classifications of pathogenicity. Review status: criteria provided, conflicting classifications (1 of 4 stars). 5 submissions from 5 submitters: Uncertain significance (3); Likely benign (1). 1 of the submissions does not count toward it. Last evaluated 2026-03-01.

Conditions:
LDB3-related disorder. Also called: LDB3-related condition.
Myofibrillar myopathy 4. Also called: Zaspopathy (type). Identifiers: Orphanet 98912, MedGen C4721886, MONDO:0012277, OMIM 609452.

Allele frequency attached by ClinVar (database versions not stated): ExAC 0.00002; gnomAD exomes 0.00002 and 0.00005; gnomAD 0.00005 and 0.00006; TOPMed 0.00005; ESP Exome Variant Server 0.00008; 1000 Genomes Project 0.00020.
gnomAD v4.1: 85 of 1,613,682 alleles (0.0053%); highest among the groups gnomAD compares: Non-Finnish European, 0.0059%; no homozygotes.

Submissions (5):

CeGaT Center for Human Genetics Tuebingen
Classification: Likely benign. Last evaluated: 2026-03-01. Review status: criteria provided, single submitter. Criteria: CeGaT Center For Human Genetics Tuebingen Variant Classification Criteria Version 2. Collection method: clinical testing. Allele origin: germline. Affected: yes. Observed: 1 variant allele.
Comment: LDB3: BP4

Labcorp Genetics (formerly Invitae), Labcorp
Classification: Uncertain significance for Myofibrillar myopathy 4. Last evaluated: 2026-01-14. Review status: criteria provided, single submitter. Criteria: Invitae Variant Classification Sherloc (09022015). Collection method: clinical testing. Allele origin: germline.
Comment: This sequence change replaces arginine, which is basic and polar, with cysteine, which is neutral and slightly polar, at codon 263 of the LDB3 protein (p.Arg263Cys). This variant is present in population databases (rs377201153, gnomAD 0.005%). This variant has not been reported in the literature in individuals affected with LDB3-related conditions. ClinVar contains an entry for this variant (Variation ID: 198762). An algorithm developed to predict the effect of missense changes on protein structure and function (PolyPhen-2) suggests that this variant is likely to be disruptive. In summary, the available evidence is currently insufficient to determine the role of this variant in disease. Therefore, it has been classified as a Variant of Uncertain Significance.

GeneDx
Classification: Uncertain significance. Last evaluated: 2019-08-12. Review status: criteria provided, single submitter. Criteria: GeneDx Variant Classification Process June 2021. Collection method: clinical testing. Allele origin: germline. Affected: yes.
Comment: Has not been previously published as pathogenic or benign to our knowledge; Reported in ClinVar as a variant of uncertain significance but additional evidence is not available (ClinVar Variant ID# 198762; Landrum et al., 2016); In silico analysis, which includes protein predictors and evolutionary conservation, supports that this variant does not alter protein structure/function

Eurofins Ntd Llc (ga)
Classification: Uncertain significance. Last evaluated: 2015-06-04. Review status: criteria provided, single submitter. Criteria: EGL Classification Definitions 2015. Collection method: clinical testing. Allele origin: germline. Observed: 1 variant allele, 1 heterozygote.

PreventionGenetics, part of Exact Sciences
Classification: Uncertain significance for LDB3-related condition. Last evaluated: 2024-08-14. Review status: no assertion criteria provided. Collection method: clinical testing. Allele origin: germline. Not counted in ClinVar's aggregate classification.
Comment: The LDB3 c.928C>T variant is predicted to result in the amino acid substitution p.Arg310Cys. To our knowledge, this variant has not been reported in the literature. This variant is reported in 0.0051% of alleles in individuals of East Asian descent in gnomAD. At this time, the clinical significance of this variant is uncertain due to the absence of conclusive functional and genetic evidence.

NM_001368067.1(LDB3):c.787C>T (p.Arg263Cys)

Gene: LDB3 (LIM domain binding 3; plus strand). Cytogenetic location: 10q23.2.
Variant type: single nucleotide variant.
Coding change: c.787C>T on transcript NM_001368067.1 (MANE Plus Clinical); coding-DNA position 787, C replaced by T.
Protein change: p.Arg263Cys; replaces arginine 263 with cysteine.
Molecular consequence: missense variant. On other transcripts: intron variant (6).
Genome position (GRCh38, 1-based): chr10:86,699,309, C>T. VCF-style: chr10-86699309-C-T. GRCh37 (hg19) VCF-style: chr10-88459066-C-T.
Other names: c.928C>T, p.Arg310Cys (NM_001080115.2, NM_001368063.1); c.787C>T, p.Arg263Cys (NM_001080116.1, NM_001368068.1); c.1132C>T, p.Arg378Cys (NM_001171611.2); c.896+6738C>T (NM_001368064.1, NM_007078.3, NM_001368065.1); c.1100+6738C>T (NM_001171610.2); c.755+6738C>T (NM_001368066.1, NM_001080114.2); c.928C>T (NM_001080115.1); short protein forms R263C, R310C, R378C.
Identifiers: ClinVar variation 198762 (VCV000198762.19), dbSNP rs377201153, ClinGen allele CA247566.
Genomic context (GRCh38, chr10:86,699,309, plus strand): 5'-CTCTCTCTCTCTCTCTCTCTGTGCCACAGGGAAAGGTTTGAAACGGAACGTAACAGCCCA[C>T]GTTTTGCCAAATTGCGCAACTGGCACCATGGCCTTTCAGCCCAAATCCTTAATGTTAAAA-3'
Protein context (NP_001354996.1, residues 253-273): ERFETERNSP[Arg263Cys]FAKLRNWHHG